The following is an entry in ClinVar:

ClinVar aggregate classification (germline): Conflicting classifications of pathogenicity. Review status: criteria provided, conflicting classifications (1 of 4 stars). 6 submissions from 6 submitters: Likely pathogenic (2); Uncertain significance (1). 3 of the submissions do not count toward it. Last evaluated 2025-07-29.

Conditions:
Retinal dystrophy. Also called: Inherited retinal dystrophy. Identifiers: Orphanet 71862, MedGen C0854723, MeSH D058499, MONDO:0019118, HP:0000556.
Usher syndrome type 2A. Also called: RETINAL DISEASE IN USHER SYNDROME TYPE IIA, MODIFIER OF; USHER SYNDROME, TYPE IIA. Identifiers: Orphanet 231178, Orphanet 886, MedGen C1848634, MONDO:0010169, OMIM 276901.
Retinitis pigmentosa 39 (RP39). Identifiers: Orphanet 791, MedGen C3151138, MONDO:0013436, OMIM 613809.

Allele frequency attached by ClinVar (database versions not stated): gnomAD exomes below 0.00001; TOPMed below 0.00001.
gnomAD v4.1: 1 of 1,614,114 alleles (0.000062%); highest among the groups gnomAD compares: Admixed American, 0.0017%; no homozygotes.

Submissions (6):

Natera, Inc.
Classification: Likely pathogenic for Usher syndrome type 2A. Last evaluated: 2025-07-29. Review status: criteria provided, single submitter. Criteria: Natera Variant Classification Schema (03/2026). Collection method: clinical testing. Allele origin: germline.
Comment: The c.14995A>G variant in USH2A is a missense variant predicted to cause substitution of threonine to alanine at amino acid 4999. This variant is rare in the general population with a frequency below the threshold expected for the associated phenotype(s). This variant has been observed in one or more individuals affected with the associated recessive disease, as either homozygous or compound heterozygous with a second variant (PMID: 39462066, 37558662, 28127548). A different variant at the same position has been determined to be Pathogenic or Likely Pathogenic. Computational prediction algorithms indicate this variant is likely to affect gene or protein function. Given the available evidence, this variant is classified as Likely Pathogenic.

Labcorp Genetics (formerly Invitae), Labcorp
Classification: Likely pathogenic. Last evaluated: 2025-02-17. Review status: criteria provided, single submitter. Criteria: Invitae Variant Classification Sherloc (09022015). Collection method: clinical testing. Allele origin: germline.
Comment: This sequence change replaces threonine, which is neutral and polar, with alanine, which is neutral and non-polar, at codon 4999 of the USH2A protein (p.Thr4999Ala). This variant is not present in population databases (gnomAD no frequency). This missense change has been observed in individual(s) with USH2A-related conditions (PMID: 28127548, 37558662; internal data). In at least one individual the data is consistent with being in trans (on the opposite chromosome) from a pathogenic variant. ClinVar contains an entry for this variant (Variation ID: 554446). Invitae Evidence Modeling of protein sequence and biophysical properties (such as structural, functional, and spatial information, amino acid conservation, physicochemical variation, residue mobility, and thermodynamic stability) indicates that this missense variant is not expected to disrupt USH2A protein function with a negative predictive value of 95%. This variant disrupts the p.Thr4999 amino acid residue in USH2A. Other variant(s) that disrupt this residue have been determined to be pathogenic (PMID: 24944099; internal data). This suggests that this residue is clinically significant, and that variants that disrupt this residue are likely to be disease-causing. In summary, the currently available evidence indicates that the variant is pathogenic, but additional data are needed to prove that conclusively. Therefore, this variant has been classified as Likely Pathogenic.

Blueprint Genetics
Classification: Uncertain significance. Last evaluated: 2021-02-24. Review status: criteria provided, single submitter. Criteria: ACMG Guidelines, 2015. Collection method: clinical testing. Allele origin: germline.

Baylor Genetics
Classification: Uncertain significance for Retinitis pigmentosa 39. Last evaluated: 2024-02-01. Review status: flagged submission. Criteria: ACMG Guidelines, 2015. Collection method: clinical testing. Allele origin: unknown. Not counted in ClinVar's aggregate classification.
ClinVar note: Reason: Claim with insufficient supporting evidence

Institute of Human Genetics, Univ. Regensburg, Univ. Regensburg
Classification: Uncertain significance for Retinal dystrophy. Last evaluated: 2022-01-01. Review status: flagged submission. Criteria: ACMG Guidelines, 2015. Collection method: clinical testing. Allele origin: germline. Affected: yes. Not counted in ClinVar's aggregate classification.
ClinVar note: Reason: Claim with insufficient supporting evidence

Counsyl
Classification: Uncertain significance for Usher syndrome type 2A; Retinitis pigmentosa 39. Last evaluated: 2017-10-18. Review status: flagged submission. Collection method: clinical testing. Allele origin: unknown. Not counted in ClinVar's aggregate classification.
ClinVar note: Reason: Older claim that does not account for recent evidence

Literature cited by the submitters: PubMed 39462066 (cited by Natera, Inc.); PubMed 37558662 (cited by Natera, Inc. and Labcorp Genetics (formerly Invitae), Labcorp); PubMed 28127548 (cited by 3 submitters); PubMed 24944099 (cited by Labcorp Genetics (formerly Invitae), Labcorp).

NM_206933.4(USH2A):c.14995A>G (p.Thr4999Ala)

Gene: USH2A (usherin; minus strand). Cytogenetic location: 1q41.
Variant type: single nucleotide variant.
Coding change: c.14995A>G on transcript NM_206933.4 (MANE Select); coding-DNA position 14995, A replaced by G.
Protein change: p.Thr4999Ala; replaces threonine 4999 with alanine.
Molecular consequence: missense variant.
Genome position (GRCh38, 1-based): chr1:215,639,212, T>C on the plus strand (A>G on the coding strand, the complement: USH2A is on the minus strand). VCF-style: chr1-215639212-T-C. GRCh37 (hg19) VCF-style: chr1-215812554-T-C.
Other names: short protein forms T4999A.
Identifiers: ClinVar variation 554446 (VCV000554446.7), dbSNP rs1553249303, ClinGen allele CA344826608.
Genomic context (GRCh38, chr1:215,639,212, plus strand): 5'-TACCAAGTCCAGTAGAGGTATCATATTGGATCAACGGCGTCTTAACACTTCCTTCGTCAG[T>C]CGTGCAGATGACCTGGAAAAAGAAGGCTAGACAAAAGGAAGAACTGGTAAATGACTTGTT-3'
Protein context (NP_996816.3, residues 4989-5009): KTFFFQVICT[Thr4999Ala]DEGSVKTPLI